The following is an entry in ClinVar:

ClinVar aggregate classification (germline): Uncertain significance (1 of 4 stars; one submission).

Submission:

Women's Health and Genetics/Laboratory Corporation of America, LabCorp
Classification: Uncertain significance. Last evaluated: 2024-06-03. Review status: criteria provided, single submitter. Criteria: LabCorp Variant Classification Summary - May 2015. Collection method: clinical testing. Allele origin: germline.
Comment: Variant summary: GJB2 c.167T>C (p.Leu56Pro) results in a non-conservative amino acid change located in the Connexin, N-terminal domain (IPR013092) of the encoded protein sequence. Four of five in-silico tools predict a damaging effect of the variant on protein function. The variant was absent in 251070 control chromosomes. The available data on variant occurrences in the general population are insufficient to allow any conclusion about variant significance. To our knowledge, no occurrence of c.167T>C has been reported in the literature in individuals affected with Non-Syndromic Hearing Loss and no experimental evidence demonstrating an impact on protein function has been reported. The following publication has been ascertained in the context of this evaluation (PMID: 17666888). No submitters have cited clinical-significance assessments for this variant to ClinVar. Based on the evidence outlined above, the variant was classified as uncertain significance.

Literature cited by the submitters: PubMed 17666888.

NM_004004.6(GJB2):c.167T>C (p.Leu56Pro)

Gene: GJB2 (gap junction protein beta 2; minus strand). Cytogenetic location: 13q12.11.
Variant type: single nucleotide variant.
Coding change: c.167T>C on transcript NM_004004.6 (MANE Select); coding-DNA position 167, T replaced by C.
Protein change: p.Leu56Pro; replaces leucine 56 with proline.
Molecular consequence: missense variant.
Genome position (GRCh38, 1-based): chr13:20,189,415, A>G on the plus strand (T>C on the coding strand, the complement: GJB2 is on the minus strand). VCF-style: chr13-20189415-A-G. GRCh37 (hg19) VCF-style: chr13-20763554-A-G.
Other names: short protein forms L56P.
Identifiers: ClinVar variation 3339772 (VCV003339772.1).
Genomic context (GRCh38, chr13:20,189,415, plus strand): 5'-AGCCGGATGTGGGAGATGGGGAAGTAGTGATCGTAGCACACGTTCTTGCAGCCTGGCTGC[A>G]GGGTGTTGCAGACAAAGTCGGCCTGCTCATCTCCCCACACCTCCTTTGCAGCCACAACGA-3'
Protein context (NP_003995.2, residues 46-66): DEQADFVCNT[Leu56Pro]QPGCKNVCYD